The following is an entry in ClinVar:

NM_000027.4(AGA):c.754G>C (p.Gly252Arg)

Gene: AGA (aspartylglucosaminidase; minus strand). Cytogenetic location: 4q34.3.
Variant type: single nucleotide variant.
Coding change: c.754G>C on transcript NM_000027.4 (MANE Select); coding-DNA position 754, G replaced by C.
Protein change: p.Gly252Arg; replaces glycine 252 with arginine.
Molecular consequence: missense variant. On other transcripts: non-coding transcript variant (1).
Genome position (GRCh38, 1-based): chr4:177,434,434, C>G on the plus strand (G>C on the coding strand, the complement: AGA is on the minus strand). VCF-style: chr4-177434434-C-G. GRCh37 (hg19) VCF-style: chr4-178355588-C-G.
Other names: c.724G>C, p.Gly242Arg (NM_001171988.2); short protein forms G252R, G242R.
Identifiers: ClinVar variation 55951 (VCV000055951.2), dbSNP rs386833432, ClinGen allele CA144031.

ClinVar aggregate classification (germline): Likely pathogenic (0 of 4 stars; one submission).

Conditions:
Aspartylglucosaminuria (AGU). Also called: Aspartylglucos-aminuria; Aspartylglucos-amidase (AGA) deficiency; AGA DEFICIENCY; GLYCOASPARAGINASE; GLYCOSYLASPARAGINASE DEFICIENCY. Identifiers: Orphanet 93, MedGen C0268225, MONDO:0008830, OMIM 208400, HP:0012068.

Allele frequency attached by ClinVar (database versions not stated): gnomAD exomes below 0.00001.
gnomAD v4.1: 1 of 1,614,218 alleles (0.000062%); highest among the groups gnomAD compares: Non-Finnish European, 0.000085%; no homozygotes.

Submission:

Juha Muilu Group; Institute for Molecular Medicine Finland (FIMM)
Classification: Likely pathogenic for Aspartylglycosaminuria. Review status: no assertion criteria provided. Collection method: not provided. Allele origin: unknown.
Comment: FinDis database variant: This variant was not found or characterized by our laboratory, data were collected from public sources: see reference
ClinVar note: Converted during submission from probable-pathogenic to Likely pathogenic.